The following is an entry in ClinVar:

ClinVar aggregate classification (germline): Uncertain significance. Review status: criteria provided, multiple submitters, no conflicts (2 of 4 stars). 2 submissions from 2 submitters: Uncertain significance (2). Last evaluated 2025-07-03.

Conditions:
Cowden syndrome 3 (CWS3). Identifiers: Orphanet 201, MedGen CN166604, MONDO:0014045.
Pheochromocytoma. Also called: MAX-Related Hereditary Paraganglioma-Pheochromocytoma Syndrome. Identifiers: Orphanet 29072, MedGen C0031511, MONDO:0008233, OMIM 171300, HP:0002666.
Paragangliomas with sensorineural hearing loss. Identifiers: MedGen C1868633.
Carney-Stratakis syndrome. Also called: PARAGANGLIOMA AND GASTROINTESTINAL STROMAL TUMOR. Identifiers: Orphanet 97286, MedGen C1847319, MONDO:0011740, OMIM 606864.
Hereditary cancer-predisposing syndrome. Also called: Neoplastic Syndromes, Hereditary; Tumor predisposition; Hereditary Cancer Syndrome; Hereditary neoplastic syndrome. Identifiers: Orphanet 140162, MedGen C0027672, MeSH D009386, MONDO:0015356.

Submissions (2):

Ambry Genetics
Classification: Uncertain significance for Hereditary cancer-predisposing syndrome. Last evaluated: 2025-07-03. Review status: criteria provided, single submitter. Criteria: Ambry Variant Classification Scheme 2023. Collection method: clinical testing. Allele origin: germline.
Comment: The p.S59F variant (also known as c.176C>T), located in coding exon 3 of the SDHD gene, results from a C to T substitution at nucleotide position 176. The serine at codon 59 is replaced by phenylalanine, an amino acid with highly dissimilar properties. This amino acid position is well conserved in available vertebrate species. In addition, this alteration is predicted to be deleterious by in silico analysis. Since supporting evidence is limited at this time, the clinical significance of this alteration remains unclear.

Labcorp Genetics (formerly Invitae), Labcorp
Classification: Uncertain significance for Carney-Stratakis syndrome; Paragangliomas with sensorineural hearing loss; Pheochromocytoma; Cowden syndrome 3. Last evaluated: 2024-12-26. Review status: criteria provided, single submitter. Criteria: Invitae Variant Classification Sherloc (09022015). Collection method: clinical testing. Allele origin: germline.
Comment: This sequence change replaces serine, which is neutral and polar, with phenylalanine, which is neutral and non-polar, at codon 59 of the SDHD protein (p.Ser59Phe). This variant is not present in population databases (gnomAD no frequency). This variant has not been reported in the literature in individuals affected with SDHD-related conditions. ClinVar contains an entry for this variant (Variation ID: 638845). Invitae Evidence Modeling of protein sequence and biophysical properties (such as structural, functional, and spatial information, amino acid conservation, physicochemical variation, residue mobility, and thermodynamic stability) indicates that this missense variant is expected to disrupt SDHD protein function with a positive predictive value of 95%. In summary, the available evidence is currently insufficient to determine the role of this variant in disease. Therefore, it has been classified as a Variant of Uncertain Significance.

NM_003002.4(SDHD):c.176C>T (p.Ser59Phe)

Gene: SDHD (succinate dehydrogenase complex subunit D; plus strand). Cytogenetic location: 11q23.1.
Variant type: single nucleotide variant.
Coding change: c.176C>T on transcript NM_003002.4 (MANE Select); coding-DNA position 176, C replaced by T.
Protein change: p.Ser59Phe; replaces serine 59 with phenylalanine.
Molecular consequence: missense variant. On other transcripts: non-coding transcript variant (1), intron variant (1).
Genome position (GRCh38, 1-based): chr11:112,088,873, C>T. VCF-style: chr11-112088873-C-T. GRCh37 (hg19) VCF-style: chr11-111959597-C-T.
Other names: c.59C>T, p.Ser20Phe (NM_001276504.2); c.176C>T, p.Ser59Phe (NM_001276506.2); c.169+900C>T (NM_001276503.2); short protein forms S59F, S20F.
Identifiers: ClinVar variation 638845 (VCV000638845.11), dbSNP rs1592780300, ClinGen allele CA382617164.
Genomic context (GRCh38, chr11:112,088,873, plus strand): 5'-ATGAAAGATGTGTGTTTCTCACATCAACTTTTATGAATCTGGTCCTTTTTGTAGCTGGCT[C>T]CAAGGCTGCATCTCTCCACTGGACTAGCGAGAGGGTTGTCAGTGTTTTGCTCCTGGGTCT-3'
Protein context (NP_002993.1, residues 49-69): IHLSPSHHSG[Ser59Phe]KAASLHWTSE